The following is an entry in ClinVar:

ClinVar aggregate classification (germline): Uncertain significance (1 of 4 stars; one submission).

Conditions:
2-aminoadipic 2-oxoadipic aciduria (AAKAD). Also called: Aminoadipic aciduria; ALPHA-AMINOADIPIC AND ALPHA-KETOADIPIC ACIDURIA. Identifiers: Orphanet 79154, MedGen C1859817, MONDO:0008774, OMIM 204750.

Allele frequency attached by ClinVar (database versions not stated): TOPMed below 0.00001; gnomAD 0.00001.
gnomAD v4.1: 2 of 1,554,728 alleles (0.00013%); highest among the groups gnomAD compares: East Asian, 0.0024%; no homozygotes.

Submission:

Labcorp Genetics (formerly Invitae), Labcorp
Classification: Uncertain significance for 2-aminoadipic 2-oxoadipic aciduria. Last evaluated: 2023-10-04. Review status: criteria provided, single submitter. Criteria: Invitae Variant Classification Sherloc (09022015). Collection method: clinical testing. Allele origin: germline.
Comment: This sequence change affects codon 801 of the DHTKD1 mRNA. It is a 'silent' change, meaning that it does not change the encoded amino acid sequence of the DHTKD1 protein. It affects a nucleotide within the consensus splice site. This variant is not present in population databases (gnomAD no frequency). This variant has not been reported in the literature in individuals affected with DHTKD1-related conditions. Algorithms developed to predict the effect of sequence changes on RNA splicing suggest that this variant is not likely to affect RNA splicing. In summary, the available evidence is currently insufficient to determine the role of this variant in disease. Therefore, it has been classified as a Variant of Uncertain Significance.

NM_018706.7(DHTKD1):c.2403G>A (p.Lys801=)

Gene: DHTKD1 (dehydrogenase E1 and transketolase domain containing 1; plus strand). Cytogenetic location: 10p14.
Variant type: single nucleotide variant.
Coding change: c.2403G>A on transcript NM_018706.7 (MANE Select); coding-DNA position 2403, G replaced by A.
Protein change: p.Lys801=; no amino-acid change (lysine 801 retained).
Molecular consequence: synonymous variant.
Genome position (GRCh38, 1-based): chr10:12,118,749, G>A. VCF-style: chr10-12118749-G-A. GRCh37 (hg19) VCF-style: chr10-12160748-G-A.
Identifiers: ClinVar variation 2897692 (VCV002897692.3), dbSNP rs760356390, ClinGen allele CA468221609.